The following is an entry in ClinVar:

NM_013296.5(GPSM2):c.121C>T (p.Arg41Cys)

Gene: GPSM2 (G protein signaling modulator 2; plus strand). Cytogenetic location: 1p13.3.
Variant type: single nucleotide variant.
Coding change: c.121C>T on transcript NM_013296.5 (MANE Select); coding-DNA position 121, C replaced by T.
Protein change: p.Arg41Cys; replaces arginine 41 with cysteine.
Molecular consequence: missense variant.
Genome position (GRCh38, 1-based): chr1:108,896,928, C>T. VCF-style: chr1-108896928-C-T. GRCh37 (hg19) VCF-style: chr1-109439550-C-T.
Other names: c.121C>T, p.Arg41Cys (NM_001321038.2, NM_001321039.3); c.121C>T (NM_013296.4); short protein forms R41C.
Identifiers: ClinVar variation 1933065 (VCV001933065.7), dbSNP rs762581956, ClinGen allele CA982727.

ClinVar aggregate classification (germline): Uncertain significance. Review status: criteria provided, multiple submitters, no conflicts (2 of 4 stars). 3 submissions from 3 submitters: Uncertain significance (3). Last evaluated 2024-08-27.

Conditions:
Inborn genetic diseases. Identifiers: MedGen C0950123, MeSH D030342.

Allele frequency attached by ClinVar (database versions not stated): TOPMed 0.00002; gnomAD 0.00003; 1000 Genomes Project 30x 0.00016.
gnomAD v4.1: 32 of 1,614,108 alleles (0.002%); highest among the groups gnomAD compares: Non-Finnish European, 0.0025%; no homozygotes.

Submissions (3):

Ambry Genetics
Classification: Uncertain significance for Inborn genetic diseases. Last evaluated: 2024-08-27. Review status: criteria provided, single submitter. Criteria: Ambry Variant Classification Scheme 2023. Collection method: clinical testing. Allele origin: germline.

Labcorp Genetics (formerly Invitae), Labcorp
Classification: Uncertain significance. Last evaluated: 2023-11-27. Review status: criteria provided, single submitter. Criteria: Invitae Variant Classification Sherloc (09022015). Collection method: clinical testing. Allele origin: germline.
Comment: This sequence change replaces arginine, which is basic and polar, with cysteine, which is neutral and slightly polar, at codon 41 of the GPSM2 protein (p.Arg41Cys). This variant is present in population databases (rs762581956, gnomAD 0.004%). This variant has not been reported in the literature in individuals affected with GPSM2-related conditions. ClinVar contains an entry for this variant (Variation ID: 1933065). Advanced modeling of protein sequence and biophysical properties (such as structural, functional, and spatial information, amino acid conservation, physicochemical variation, residue mobility, and thermodynamic stability) performed at Invitae indicates that this missense variant is not expected to disrupt GPSM2 protein function with a negative predictive value of 80%. In summary, the available evidence is currently insufficient to determine the role of this variant in disease. Therefore, it has been classified as a Variant of Uncertain Significance.

GeneDx
Classification: Uncertain significance. Last evaluated: 2023-01-25. Review status: criteria provided, single submitter. Criteria: GeneDx Variant Classification Process June 2021. Collection method: clinical testing. Allele origin: germline. Affected: yes.
Comment: Not observed at significant frequency in large population cohorts (gnomAD); In silico analysis supports that this missense variant has a deleterious effect on protein structure/function; Has not been previously published as pathogenic or benign to our knowledge